The following is an entry in ClinVar:

ClinVar aggregate classification (germline): Uncertain significance (1 of 4 stars; one submission).

Conditions:
Inborn genetic diseases. Identifiers: MedGen C0950123, MeSH D030342.

gnomAD v4.1: 2 of 1,611,892 alleles (0.00012%); highest among the groups gnomAD compares: Non-Finnish European, 0.00017%; no homozygotes.

Submission:

Ambry Genetics
Classification: Uncertain significance for Inborn genetic diseases. Last evaluated: 2025-12-26. Review status: criteria provided, single submitter. Criteria: Ambry Variant Classification Scheme 2023. Collection method: clinical testing. Allele origin: germline.
Comment: The p.N195D variant (also known as c.583A>G), located in coding exon 5 of the PAX5 gene, results from an A to G substitution at nucleotide position 583. The asparagine at codon 195 is replaced by aspartic acid, an amino acid with highly similar properties. This amino acid position is conserved. In addition, the in silico prediction for this alteration is inconclusive. Based on the available evidence, the clinical significance of this variant remains unclear.

NM_016734.3(PAX5):c.583A>G (p.Asn195Asp)

Genes: PAX5 (paired box 5; minus strand), LOC105376032 (uncharacterized LOC105376032; plus strand). Cytogenetic location: 9p13.2.
Variant type: single nucleotide variant.
Coding change: c.583A>G on transcript NM_016734.3 (MANE Select); coding-DNA position 583, A replaced by G.
Protein change: p.Asn195Asp; replaces asparagine 195 with aspartic acid.
Molecular consequence: missense variant. On other transcripts: non-coding transcript variant (2), intron variant (2).
Genome position (GRCh38, 1-based): chr9:37,002,669, T>C on the plus strand (A>G on the coding strand, the complement: PAX5 is on the minus strand). VCF-style: chr9-37002669-T-C. GRCh37 (hg19) VCF-style: chr9-37002666-T-C.
Other names: c.583A>G, p.Asn195Asp (NM_001280547.2, NM_001280548.2, NM_001280549.2 and 2 more transcripts); c.259A>G, p.Asn87Asp (NM_001280551.2, NM_001280556.2); c.385A>G, p.Asn129Asp (NM_001280555.2); c.475+3804A>G (NM_001280553.2, NM_001280554.2); short protein forms N195D, N129D, N87D.
Identifiers: ClinVar variation 4843883 (VCV004843883.1).
Genomic context (GRCh38, chr9:37,002,669, plus strand): 5'-GGAGCGCATCCCCGACGGGGCTGCGCGGGCCTCTCTTACCTTCGTCTCTCTTGCGCTTGT[T>C]GGTGTCGGCGCTGGGGGACGTGATGCCCAGGATGCCGCTGATGGAGTACGACGAGCCGGC-3'
Protein context (NP_057953.1, residues 185-205): LGITSPSADT[Asn195Asp]KRKRDEGIQE